The following is an entry in ClinVar:

ClinVar aggregate classification (germline): Uncertain significance (1 of 4 stars; one submission).

Submission:

Ambry Genetics
Classification: Uncertain significance. Last evaluated: 2026-07-06. Review status: criteria provided, single submitter. Criteria: Ambry Variant Classification Scheme 2023. Collection method: clinical testing. Allele origin: germline.
Comment: The c.1266-1G>A intronic alteration consists of a G to A substitution one nucleotide before exon 10 (coding exon 10) of the UPF1 gene. Variants that disrupt the canonical splice site are expected to cause aberrant splicing, resulting in an abnormal protein or a transcript that is subject to nonsense-mediated mRNA decay. However, loss of function of UPF1 has not been established as a mechanism of disease. This variant was not reported in population-based cohorts in the Genome Aggregation Database (gnomAD). This nucleotide position is highly conserved in available vertebrate species. In silico splice site analysis predicts that this alteration will weaken the native splice acceptor site and will result in the creation or strengthening of a novel splice acceptor site. Based on insufficient or conflicting evidence, the clinical significance of this alteration remains unclear.

NM_002911.4(UPF1):c.1266-1G>A

Gene: UPF1 (UPF1 RNA helicase and ATPase; plus strand). Cytogenetic location: 19p13.11.
Variant type: single nucleotide variant.
Coding change: c.1266-1G>A on transcript NM_002911.4 (MANE Select); the canonical splice acceptor site of the intron before coding-DNA position 1266, G replaced by A.
Molecular consequence: splice acceptor variant.
Genome position (GRCh38, 1-based): chr19:18,854,878, G>A. VCF-style: chr19-18854878-G-A. GRCh37 (hg19) VCF-style: chr19-18965687-G-A.
Other names: c.1299-1G>A (NM_001297549.2).
Identifiers: ClinVar variation 5031600 (VCV005031600.1).